The following is an entry in ClinVar:

ClinVar aggregate classification (germline): Likely pathogenic (1 of 4 stars; one submission).

Conditions:
ANO6-related disorder. Also called: ANO6-related condition.

Allele frequency attached by ClinVar (database versions not stated): gnomAD exomes below 0.00001; TOPMed 0.00001.
gnomAD v4.1: 3 of 1,610,298 alleles (0.00019%); highest among the groups gnomAD compares: Non-Finnish European, 0.00025%; no homozygotes.

Submission:

PreventionGenetics, part of Exact Sciences
Classification: Likely pathogenic for ANO6-related condition. Last evaluated: 2023-05-30. Review status: criteria provided, single submitter. Criteria: ACMG Guidelines, 2015. Collection method: clinical testing. Allele origin: germline.
Comment: The ANO6 c.1874T>G variant is predicted to result in premature protein termination (p.Leu625*). To our knowledge, this variant has not been reported in the literature or in a large population database, indicating this variant is rare. Nonsense variants in ANO6 are expected to be pathogenic. This variant is interpreted as likely pathogenic.

NM_001025356.3(ANO6):c.1874T>G (p.Leu625Ter)

Gene: ANO6 (anoctamin 6; plus strand). Cytogenetic location: 12q12.
Variant type: single nucleotide variant.
Coding change: c.1874T>G on transcript NM_001025356.3 (MANE Select); coding-DNA position 1874, T replaced by G.
Protein change: p.Leu625Ter; replaces leucine 625 with a stop codon.
Molecular consequence: nonsense.
Genome position (GRCh38, 1-based): chr12:45,403,530, T>G. VCF-style: chr12-45403530-T-G. GRCh37 (hg19) VCF-style: chr12-45797313-T-G.
Other names: c.1820T>G, p.Leu607Ter (NM_001142678.2); c.1874T>G, p.Leu625Ter (NM_001142679.2); c.1937T>G, p.Leu646Ter (NM_001204803.2); c.1841T>G, p.Leu614Ter (NM_001410973.1); short protein forms L607*, L614*, L625*, L646*.
Identifiers: ClinVar variation 2632341 (VCV002632341.1), dbSNP rs1942853161, ClinGen allele CA384462048.